The following is an entry in ClinVar:

ClinVar aggregate classification (germline): Uncertain significance (1 of 4 stars; one submission).

Conditions:
Inborn genetic diseases. Identifiers: MedGen C0950123, MeSH D030342.

gnomAD v4.1: 1 of 1,613,824 alleles (0.000062%); highest among the groups gnomAD compares: Non-Finnish European, 0.000085%; no homozygotes.

Submission:

Ambry Genetics
Classification: Uncertain significance for Inborn genetic diseases. Last evaluated: 2020-12-31. Review status: criteria provided, single submitter. Criteria: Ambry Variant Classification Scheme 2023. Collection method: clinical testing. Allele origin: germline.
Comment: The c.14516-5T>C intronic alteration consists of a T to C substitution 5 nucleotides before exon 47 (coding exon 47) of the KMT2D gene. In silico splice site analysis predicts that this alteration will not have any significant effect on splicing. Based on insufficient or conflicting evidence, the clinical significance of this alteration remains unclear.

NM_003482.4(KMT2D):c.14516-5T>C

Gene: KMT2D (lysine methyltransferase 2D; minus strand). Cytogenetic location: 12q13.12.
Variant type: single nucleotide variant.
Coding change: c.14516-5T>C on transcript NM_003482.4 (MANE Select); 5 bases into the intron before coding-DNA position 14516, T replaced by C.
Molecular consequence: intron variant.
Genome position (GRCh38, 1-based): chr12:49,027,935, A>G on the plus strand (T>C on the coding strand, the complement: KMT2D is on the minus strand). VCF-style: chr12-49027935-A-G. GRCh37 (hg19) VCF-style: chr12-49421718-A-G.
Identifiers: ClinVar variation 2228560 (VCV002228560.2), dbSNP rs1183662538, ClinGen allele CA689520483.